The following is an entry in ClinVar:

ClinVar aggregate classification (germline): Likely benign (1 of 4 stars; one submission).

Submission:

CeGaT Center for Human Genetics Tuebingen
Classification: Likely benign. Last evaluated: 2022-11-01. Review status: criteria provided, single submitter. Criteria: CeGaT Center For Human Genetics Tuebingen Variant Classification Criteria Version 2. Collection method: clinical testing. Allele origin: germline. Affected: yes. Observed: 1 variant allele.
Comment: MED12: BS2

NM_005120.3(MED12):c.4416-74_4416-73insCCTCTTCTCT

Gene: MED12 (mediator complex subunit 12; plus strand). Cytogenetic location: Xq13.1.
Variant type: Microsatellite.
Coding change: c.4416-74_4416-73insCCTCTTCTCT on transcript NM_005120.3 (MANE Select); 74 bases into the intron before coding-DNA position 4416 through 73 bases into the intron before coding-DNA position 4416, CCTCTTCTCT inserted.
Molecular consequence: intron variant.
Genome position: GRCh38 VCF-style: chrX-71132767-C-CCTCTCCTCTT. GRCh37 (hg19) VCF-style: chrX-70352617-C-CCTCTCCTCTT.
Identifiers: ClinVar variation 2660845 (VCV002660845.24), dbSNP rs1556337819.